The following is an entry in ClinVar:

ClinVar aggregate classification (germline): Conflicting classifications of pathogenicity. Review status: criteria provided, conflicting classifications (1 of 4 stars). 2 submissions from 2 submitters: Likely pathogenic (1); Uncertain significance (1). Last evaluated 2025-06-17.

Conditions:
Hereditary cancer-predisposing syndrome. Also called: Hereditary neoplastic syndrome; Neoplastic Syndromes, Hereditary; Tumor predisposition; Hereditary Cancer Syndrome. Identifiers: Orphanet 140162, MedGen C0027672, MeSH D009386, MONDO:0015356.

Submissions (2):

Ambry Genetics
Classification: Uncertain significance for Hereditary cancer-predisposing syndrome. Last evaluated: 2025-06-17. Review status: criteria provided, single submitter. Criteria: Ambry Variant Classification Scheme 2023. Collection method: clinical testing. Allele origin: germline.
Comment: The p.M382I variant (also known as c.1146G>A), located in coding exon 8 of the FH gene, results from a G to A substitution at nucleotide position 1146. The methionine at codon 382 is replaced by isoleucine, an amino acid with highly similar properties. This amino acid position is highly conserved in available vertebrate species. In addition, this alteration is predicted to be deleterious by in silico analysis. Based on the available evidence, the clinical significance of this variant remains unclear.

GeneDx
Classification: Likely pathogenic. Last evaluated: 2017-10-02. Review status: criteria provided, single submitter. Criteria: GeneDx Variant Classification (06012015). Collection method: clinical testing. Allele origin: germline. Affected: yes.
Comment: The M382I variant has not been published as a pathogenic variant, nor has it been reported as a benign variant to our knowledge. The variant is not observed in large population cohorts (Lek et al., 2016). M382I is a conservative amino acid substitution, which is not likely to impact secondary protein structure as these residues share similar properties. However, this substitution occurs at a position that is conserved across species; additionally, the Alanine 382 residue is located in a core helix involved in interation with two other monomers (Picaud et al., 2011). In silico analysis predicts this variant is probably damaging to the protein structure/function. Another missense variant in this residue (M382V) and nearby residues (N373S, N373D, Q376P, A385D, Q386R) have been reported in association with FH-related disorders, supporting the functional importance of this region of the protein. In summary, this variant is likely pathogenic; however, the possibility that it is benign cannot be excluded

NM_000143.4(FH):c.1146G>A (p.Met382Ile)

Gene: FH (fumarate hydratase; minus strand). Cytogenetic location: 1q43.
Variant type: single nucleotide variant.
Coding change: c.1146G>A on transcript NM_000143.4 (MANE Select); coding-DNA position 1146, G replaced by A.
Protein change: p.Met382Ile; replaces methionine 382 with isoleucine.
Molecular consequence: missense variant.
Genome position (GRCh38, 1-based): chr1:241,502,533, C>T on the plus strand (G>A on the coding strand, the complement: FH is on the minus strand). VCF-style: chr1-241502533-C-T. GRCh37 (hg19) VCF-style: chr1-241665833-C-T.
Other names: p.M382I:ATG>ATA; short protein forms M382I.
Identifiers: ClinVar variation 214421 (VCV000214421.3), dbSNP rs863224006, ClinGen allele CA322667.